The following is an entry in ClinVar:

ClinVar aggregate classification (germline): Benign (1 of 4 stars; one submission).

Conditions:
Breast-ovarian cancer, familial, susceptibility to, 4. Identifiers: Orphanet 145, MedGen C3280345, MONDO:0013669, OMIM 614291.

Submission:

Myriad Genetics, Inc.
Classification: Benign for Breast-ovarian cancer, familial, susceptibility to, 4. Last evaluated: 2025-02-25. Review status: criteria provided, single submitter. Criteria: Myriad Autosomal Dominant, Autosomal Recessive and X-Linked Classification Criteria (2023). Collection method: clinical testing. Allele origin: unknown.
Comment: This variant is considered benign. This variant occurs in the non-coding 3' untranslated region of the gene, and is not expected to impact protein function.

NM_002878.4(RAD51D):c.*1C>T

Genes: RAD51L3-RFFL (RAD51L3-RFFL readthrough; minus strand), RAD51D (RAD51 paralog D; minus strand). Cytogenetic location: 17q12.
Variant type: single nucleotide variant.
Coding change: c.*1C>T on transcript NM_002878.4 (MANE Select); 1 bases downstream of the stop codon, C replaced by T.
Molecular consequence: 3 prime UTR variant. On other transcripts: non-coding transcript variant (2).
Genome position (GRCh38, 1-based): chr17:35,100,952, G>A on the plus strand (C>T on the coding strand, the complement: RAD51D is on the minus strand). VCF-style: chr17-35100952-G-A. GRCh37 (hg19) VCF-style: chr17-33427971-G-A.
Other names: c.*1C>T (NM_001142571.2, NM_133629.3).
Identifiers: ClinVar variation 3903532 (VCV003903532.1).